The following is an entry in ClinVar:

ClinVar aggregate classification (germline): Pathogenic (1 of 4 stars; one submission).

Conditions:
Wieacker-Wolff syndrome. Also called: APRAXIA, OCULOMOTOR, WITH CONGENITAL CONTRACTURES AND MUSCLE ATROPHY; CONTRACTURES OF FEET, MUSCLE ATROPHY, AND OCULOMOTOR APRAXIA; MENTAL RETARDATION, X-LINKED, SYNDROMIC 4; MENTAL RETARDATION, X-LINKED, WITH CONGENITAL CONTRACTURES AND LOW FINGERTIP ARCHES; Intellectual disability-developmental delay-contractures syndrome; Wieacker-Wolff, X-linked recessive. Identifiers: Orphanet 3454, Orphanet 85283, MedGen C0796200, MONDO:0010758, OMIM 314580.

Submission:

Undiagnosed Diseases Network, NIH
Classification: Pathogenic for Wieacker-Wolff syndrome. Last evaluated: 2017-06-15. Review status: criteria provided, single submitter. Criteria: ACMG Guidelines, 2015. Collection method: clinical testing. Allele origin: de novo. Inheritance: X-linked inheritance. Affected: yes. Observed: 1 variant allele, 1 heterozygote.
Comment: 95 kb deletion includes coding exon 1 which explains X-linked pathogenicity. Carrier females may have mild features of Wieacker-Wolff syndrome compared to hemizygous males.

Single allele

Gene: ZC4H2 (zinc finger C4H2-type containing; minus strand). Cytogenetic location: Xq11.2.
Variant type: Deletion.
Identifiers: ClinVar variation 598761 (VCV000598761.3).